The following is an entry in ClinVar:

ClinVar aggregate classification (germline): Uncertain significance (1 of 4 stars; one submission).

Allele frequency attached by ClinVar (database versions not stated): gnomAD 0.00003 and 0.00004; gnomAD exomes 0.00003 and 0.00005; TOPMed 0.00003; ExAC 0.00005; ESP Exome Variant Server 0.00008.
gnomAD v4.1: 75 of 1,614,052 alleles (0.0046%); highest among the groups gnomAD compares: Non-Finnish European, 0.006%; no homozygotes.

Submission:

Labcorp Genetics (formerly Invitae), Labcorp
Classification: Uncertain significance. Last evaluated: 2023-01-18. Review status: criteria provided, single submitter. Criteria: Invitae Variant Classification Sherloc (09022015). Collection method: clinical testing. Allele origin: germline.
Comment: This variant has not been reported in the literature in individuals affected with ANK3-related conditions. This variant is present in population databases (rs143009194, gnomAD 0.008%). This sequence change replaces alanine, which is neutral and non-polar, with valine, which is neutral and non-polar, at codon 3577 of the ANK3 protein (p.Ala3577Val). ClinVar contains an entry for this variant (Variation ID: 1445402). In summary, the available evidence is currently insufficient to determine the role of this variant in disease. Therefore, it has been classified as a Variant of Uncertain Significance. Advanced modeling of protein sequence and biophysical properties (such as structural, functional, and spatial information, amino acid conservation, physicochemical variation, residue mobility, and thermodynamic stability) performed at Invitae indicates that this missense variant is expected to disrupt ANK3 protein function.

NM_020987.5(ANK3):c.10730C>T (p.Ala3577Val)

Gene: ANK3 (ankyrin 3; minus strand). Cytogenetic location: 10q21.2.
Variant type: single nucleotide variant.
Coding change: c.10730C>T on transcript NM_020987.5 (MANE Select); coding-DNA position 10730, C replaced by T.
Protein change: p.Ala3577Val; replaces alanine 3577 with valine.
Molecular consequence: missense variant. On other transcripts: intron variant (4).
Genome position (GRCh38, 1-based): chr10:60,070,151, G>A on the plus strand (C>T on the coding strand, the complement: ANK3 is on the minus strand). VCF-style: chr10-60070151-G-A. GRCh37 (hg19) VCF-style: chr10-61829909-G-A.
Other names: c.4388-2142C>T (NM_001204403.2); c.4409-2142C>T (NM_001204404.2); c.4406-2142C>T (NM_001320874.2); c.1808-2142C>T (NM_001149.4); short protein forms A3577V.
Identifiers: ClinVar variation 1445402 (VCV001445402.4), dbSNP rs143009194, ClinGen allele CA5511203.